The following is an entry in ClinVar:

ClinVar aggregate classification (germline): Benign (0 of 4 stars; one submission).

Conditions:
DLGAP1-related disorder. Also called: DLGAP1-related condition.

Allele frequency attached by ClinVar (database versions not stated): 1000 Genomes Project 30x 0.00593; 1000 Genomes Project 0.00599; TOPMed 0.01569; ExAC 0.01603; gnomAD 0.01660; ESP Exome Variant Server 0.01799; gnomAD exomes 0.02323.
gnomAD v4.1: 36,152 of 1,614,058 alleles (2.2%); highest among the groups gnomAD compares: Non-Finnish European, 2.8%; 482 homozygotes.

Submission:

PreventionGenetics, part of Exact Sciences
Classification: Benign for DLGAP1-related condition. Last evaluated: 2019-03-08. Review status: no assertion criteria provided. Collection method: clinical testing. Allele origin: germline.
Comment: This variant is classified as benign based on ACMG/AMP sequence variant interpretation guidelines (Richards et al. 2015 PMID: 25741868, with internal and published modifications).

NM_004746.4(DLGAP1):c.2447G>A (p.Arg816Gln)

Gene: DLGAP1 (DLG associated protein 1; minus strand). Cytogenetic location: 18p11.31.
Variant type: single nucleotide variant.
Coding change: c.2447G>A on transcript NM_004746.4 (MANE Select); coding-DNA position 2447, G replaced by A.
Protein change: p.Arg816Gln; replaces arginine 816 with glutamine.
Molecular consequence: missense variant.
Genome position (GRCh38, 1-based): chr18:3,534,226, C>T on the plus strand (G>A on the coding strand, the complement: DLGAP1 is on the minus strand). VCF-style: chr18-3534226-C-T. GRCh37 (hg19) VCF-style: chr18-3534224-C-T.
Other names: c.1541G>A, p.Arg514Gln (NM_001003809.3, NM_001242765.2); c.2447G>A, p.Arg816Gln (NM_001242761.2, NM_001398527.1); c.1499G>A, p.Arg500Gln (NM_001242762.2); c.1613G>A, p.Arg538Gln (NM_001242763.2, NM_001398539.1); c.1565G>A, p.Arg522Gln (NM_001242764.2, NM_001398545.1); c.1571G>A, p.Arg524Gln (NM_001242766.2, NM_001398534.1, NM_001398543.1 and 1 more transcripts); c.1595G>A, p.Arg532Gln (NM_001308390.2, NM_001398541.1); c.2477G>A, p.Arg826Gln (NM_001398525.1, NM_001398526.1, NM_001398528.1); and 8 more; short protein forms R494Q, R500Q, R514Q, R522Q, R524Q, R528Q, R532Q, R534Q.
Identifiers: ClinVar variation 3037438 (VCV003037438.2), dbSNP rs35822832, ClinGen allele CA8876141.
Genomic context (GRCh38, chr18:3,534,226, plus strand): 5'-GGGTGTGGCACGTGGTGGCATTACTTACTGTCTTCGGGCAGGTTGTTTTCCCGTTCTTCC[C>T]GCTCCATCTGTTGACACCACCCCTCCATGCGGTCTCGCTCTGCCTGGAGAAGCTTCAGGA-3'
Protein context (NP_004737.2, residues 806-826): RMEGWCQQME[Arg816Gln]EERENNLPED